The following is an entry in ClinVar:

ClinVar aggregate classification (germline): Uncertain significance. Review status: criteria provided, multiple submitters, no conflicts (2 of 4 stars). 2 submissions from 2 submitters: Uncertain significance (2). Last evaluated 2024-12-31.

Conditions:
Cardiovascular phenotype. Identifiers: MedGen CN230736.
Familial hypobetalipoproteinemia 1. Also called: Hypobetalipoproteinemia, normotriglyceridemic; Acanthocytosis with hypobetalipoproteinemia; APOB-Related Familial Hypobetalipoproteinemia. Identifiers: MedGen C4551990, MONDO:0014252, OMIM 615558.
Hypercholesterolemia, autosomal dominant, type B (FHCL2). Also called: Familial Hypercholesterolemia Type B; APOLIPOPROTEIN B-100, FAMILIAL DEFECTIVE; APOLIPOPROTEIN B-100, FAMILIAL LIGAND-DEFECTIVE; HYPERCHOLESTEROLEMIA, FAMILIAL, DUE TO LIGAND-DEFECTIVE APOLIPOPROTEIN B; Familial hypercholesterolemia 2; APOB-Related Familial Hypercholesterolemia, Autosomal Dominant. Identifiers: MedGen C1704417, MONDO:0007751, OMIM 144010.

Allele frequency attached by ClinVar (database versions not stated): gnomAD exomes below 0.00001; gnomAD 0.00001; TOPMed 0.00001.
gnomAD v4.1: 7 of 1,605,826 alleles (0.00044%); highest among the groups gnomAD compares: South Asian, 0.0011%; no homozygotes.

Submissions (2):

Ambry Genetics
Classification: Uncertain significance for Cardiovascular phenotype. Last evaluated: 2024-12-31. Review status: criteria provided, single submitter. Criteria: Ambry Variant Classification Scheme 2023. Collection method: clinical testing. Allele origin: germline.
Comment: The p.V4100M variant (also known as c.12298G>A), located in coding exon 29 of the APOB gene, results from a G to A substitution at nucleotide position 12298. The valine at codon 4100 is replaced by methionine, an amino acid with highly similar properties. This amino acid position is conserved. In addition, this alteration is predicted to be tolerated by in silico analysis. Based on the available evidence, the clinical significance of this variant remains unclear.

Labcorp Genetics (formerly Invitae), Labcorp
Classification: Uncertain significance for Familial hypobetalipoproteinemia 1; Hypercholesterolemia, autosomal dominant, type B. Last evaluated: 2022-08-23. Review status: criteria provided, single submitter. Criteria: Invitae Variant Classification Sherloc (09022015). Collection method: clinical testing. Allele origin: germline.
Comment: This sequence change replaces valine, which is neutral and non-polar, with methionine, which is neutral and non-polar, at codon 4100 of the APOB protein (p.Val4100Met). In summary, the available evidence is currently insufficient to determine the role of this variant in disease. Therefore, it has been classified as a Variant of Uncertain Significance. Algorithms developed to predict the effect of missense changes on protein structure and function are either unavailable or do not agree on the potential impact of this missense change (SIFT: "Deleterious"; PolyPhen-2: "Benign"; Align-GVGD: "Class C0"). ClinVar contains an entry for this variant (Variation ID: 653049). This variant has not been reported in the literature in individuals affected with APOB-related conditions. This variant is present in population databases (no rsID available, gnomAD 0.007%).

NM_000384.3(APOB):c.12298G>A (p.Val4100Met)

Gene: APOB (apolipoprotein B; minus strand). Cytogenetic location: 2p24.1.
Variant type: single nucleotide variant.
Coding change: c.12298G>A on transcript NM_000384.3 (MANE Select); coding-DNA position 12298, G replaced by A.
Protein change: p.Val4100Met; replaces valine 4100 with methionine.
Molecular consequence: missense variant.
Genome position (GRCh38, 1-based): chr2:21,003,124, C>T on the plus strand (G>A on the coding strand, the complement: APOB is on the minus strand). VCF-style: chr2-21003124-C-T. GRCh37 (hg19) VCF-style: chr2-21225996-C-T.
Other names: short protein forms V4100M.
Identifiers: ClinVar variation 653049 (VCV000653049.12), dbSNP rs1014293309, ClinGen allele CA43489209.
Genomic context (GRCh38, chr2:21,003,124, plus strand): 5'-TGGCCCCTTGATAAACCCACTCAGCATTGTTCTGCAGATTTCTTCTCAGCTTTGAAGACA[C>T]TTCTCTCAGGGTGAGCCCTGTGTGTTCCCAGTGGTACTTGTTGACATAATCATAAAGGAC-3'
Protein context (NP_000375.3, residues 4090-4110): WEHTGLTLRE[Val4100Met]SSKLRRNLQN